The following is an entry in ClinVar:

ClinVar aggregate classification (germline): Likely pathogenic (1 of 4 stars; one submission).

Submission:

Labcorp Genetics (formerly Invitae), Labcorp
Classification: Likely pathogenic. Last evaluated: 2024-02-07. Review status: criteria provided, single submitter. Criteria: Invitae Variant Classification Sherloc (09022015). Collection method: clinical testing. Allele origin: germline.
Comment: This sequence change affects a donor splice site in intron 1 of the TSFM gene. It is expected to disrupt RNA splicing. Variants that disrupt the donor or acceptor splice site typically lead to a loss of protein function (PMID: 16199547), and loss-of-function variants in TSFM are known to be pathogenic (PMID: 17033963, 20435138, 25037205, 27677415). This variant is not present in population databases (gnomAD no frequency). This variant has not been reported in the literature in individuals affected with TSFM-related conditions. Algorithms developed to predict the effect of sequence changes on RNA splicing suggest that this variant may disrupt the consensus splice site. In summary, the currently available evidence indicates that the variant is pathogenic, but additional data are needed to prove that conclusively. Therefore, this variant has been classified as Likely Pathogenic.

Literature cited by the submitters: PubMed 16199547; PubMed 17033963; PubMed 20435138; PubMed 25037205; PubMed 27677415.

NM_005726.6(TSFM):c.57+1G>T

Gene: TSFM (Ts translation elongation factor, mitochondrial; plus strand). Cytogenetic location: 12q14.1.
Variant type: single nucleotide variant.
Coding change: c.57+1G>T on transcript NM_005726.6 (MANE Select); the canonical splice donor site of the intron after coding-DNA position 57, G replaced by T.
Molecular consequence: splice donor variant.
Genome position (GRCh38, 1-based): chr12:57,782,859, G>T. VCF-style: chr12-57782859-G-T. GRCh37 (hg19) VCF-style: chr12-58176642-G-T.
Other names: c.57+1G>T (NM_001172697.2, NM_001172696.2, NM_001172695.2).
Identifiers: ClinVar variation 3639453 (VCV003639453.2).